The following is an entry in ClinVar:

ClinVar aggregate classification (germline): Likely benign (1 of 4 stars; one submission).

gnomAD v4.1: 4,770 of 1,613,348 alleles (0.3%); highest among the groups gnomAD compares: Non-Finnish European, 0.36%; 4 homozygotes.

Submission:

CeGaT Center for Human Genetics Tuebingen
Classification: Likely benign. Last evaluated: 2024-07-01. Review status: criteria provided, single submitter. Criteria: CeGaT Center For Human Genetics Tuebingen Variant Classification Criteria Version 2. Collection method: clinical testing. Allele origin: germline. Affected: yes. Observed: 1 variant allele.
Comment: SLIT1: BP4, BP7

NM_003061.3(SLIT1):c.2403T>C (p.Asn801=)

Gene: SLIT1 (slit guidance ligand 1; minus strand). Cytogenetic location: 10q24.1.
Variant type: single nucleotide variant.
Coding change: c.2403T>C on transcript NM_003061.3 (MANE Select); coding-DNA position 2403, T replaced by C.
Protein change: p.Asn801=; no amino-acid change (asparagine 801 retained).
Molecular consequence: synonymous variant.
Genome position (GRCh38, 1-based): chr10:97,034,506, A>G on the plus strand (T>C on the coding strand, the complement: SLIT1 is on the minus strand). VCF-style: chr10-97034506-A-G. GRCh37 (hg19) VCF-style: chr10-98794263-A-G.
Identifiers: ClinVar variation 3257602 (VCV003257602.17).